The following is an entry in ClinVar:

NM_007272.3(CTRC):c.232A>T (p.Asn78Tyr)

Gene: CTRC (chymotrypsin C; plus strand). Cytogenetic location: 1p36.21.
Variant type: single nucleotide variant.
Coding change: c.232A>T on transcript NM_007272.3 (MANE Select); coding-DNA position 232, A replaced by T.
Protein change: p.Asn78Tyr; replaces asparagine 78 with tyrosine.
Molecular consequence: missense variant.
Genome position (GRCh38, 1-based): chr1:15,442,448, A>T. VCF-style: chr1-15442448-A-T. GRCh37 (hg19) VCF-style: chr1-15768944-A-T.
Other names: short protein forms N78Y.
Identifiers: ClinVar variation 5035061 (VCV005035061.1).

ClinVar aggregate classification (germline): Uncertain significance (1 of 4 stars; one submission).

Conditions:
Hereditary pancreatitis (PCTT). Also called: Hereditary chronic pancreatitis; PRSS1-Related Hereditary Pancreatitis. Identifiers: Orphanet 676, MedGen C0238339, MONDO:0008185, OMIM 167800.

Submission:

Ambry Genetics
Classification: Uncertain significance for Hereditary pancreatitis. Last evaluated: 2026-08-27. Review status: criteria provided, single submitter. Criteria: Ambry Variant Classification Scheme 2023. Collection method: clinical testing. Allele origin: germline.
Comment: The p.N78Y variant (also known as c.232A>T), located in coding exon 4 of the CTRC gene, results from an A to T substitution at nucleotide position 232. The asparagine at codon 78 is replaced by tyrosine, an amino acid with dissimilar properties. This amino acid position is conserved. In addition, this alteration is predicted to be tolerated by in silico analysis. Based on the available evidence, the clinical significance of this variant remains unclear.